The following is an entry in ClinVar:

ClinVar aggregate classification (germline): Uncertain significance. Review status: criteria provided, multiple submitters, no conflicts (2 of 4 stars). 2 submissions from 2 submitters: Uncertain significance (2). Last evaluated 2022-09-09.

Allele frequency attached by ClinVar (database versions not stated): gnomAD exomes below 0.00001; gnomAD 0.00001; TOPMed 0.00001.
gnomAD v4.1: 3 of 1,613,998 alleles (0.00019%); highest among the groups gnomAD compares: Non-Finnish European, 0.00025%; no homozygotes.

Submissions (2):

Revvity Omics, Revvity
Classification: Uncertain significance. Last evaluated: 2022-09-09. Review status: criteria provided, single submitter. Criteria: ACMG Guidelines, 2015. Collection method: clinical testing. Allele origin: germline.

CeGaT Center for Human Genetics Tuebingen
Classification: Uncertain significance. Last evaluated: 2022-08-01. Review status: criteria provided, single submitter. Criteria: CeGaT Center For Human Genetics Tuebingen Variant Classification Criteria Version 2. Collection method: clinical testing. Allele origin: germline. Affected: yes. Observed: 1 variant allele.
Comment: CAPN3: PM2, PM5, BP4

NM_000070.3(CAPN3):c.742A>G (p.Met248Val)

Gene: CAPN3 (calpain 3; plus strand). Cytogenetic location: 15q15.1.
Variant type: single nucleotide variant.
Coding change: c.742A>G on transcript NM_000070.3 (MANE Select); coding-DNA position 742, A replaced by G.
Protein change: p.Met248Val; replaces methionine 248 with valine.
Molecular consequence: missense variant.
Genome position (GRCh38, 1-based): chr15:42,389,037, A>G. VCF-style: chr15-42389037-A-G. GRCh37 (hg19) VCF-style: chr15-42681235-A-G.
Other names: c.742A>G, p.Met248Val (NM_024344.2, NM_173087.2); c.481A>G, p.Met161Val (NM_212464.2); c.*435A>G (NM_212467.2); short protein forms M161V, M248V.
Identifiers: ClinVar variation 1711379 (VCV001711379.33), dbSNP rs1414687788, ClinGen allele CA391998282.